The following is an entry in ClinVar:

ClinVar aggregate classification (germline): Likely benign (1 of 4 stars; one submission).

Conditions:
LEPR-related disorder. Also called: LEPR-related condition; LEPR-related disorders.

Submission:

PreventionGenetics, part of Exact Sciences
Classification: Likely benign for LEPR-related condition. Last evaluated: 2025-02-19. Review status: criteria provided, single submitter. Criteria: ACMG Guidelines, 2015. Collection method: clinical testing. Allele origin: germline.
Comment: This variant is classified as likely benign based on ACMG/AMP sequence variant interpretation guidelines (Richards et al. 2015 PMID: 25741868, with internal and published modifications).

NM_002303.6(LEPR):c.704-8dup

Gene: LEPR (leptin receptor; plus strand). Cytogenetic location: 1p31.3.
Variant type: Duplication.
Coding change: c.704-8dup on transcript NM_002303.6 (MANE Select); 8 bases into the intron before coding-DNA position 704, one base duplicated (T; older notation c.704-8dupT).
Molecular consequence: intron variant.
Genome position (GRCh38, 1-based): chr1:65,596,440, T duplicated; the last of 8 consecutive T bases (chr1:65,596,433-65,596,440); duplicating any one gives the same sequence. VCF-style (leftmost placement, unchanged base first): chr1-65596432-C-CT. GRCh37 (hg19) VCF-style: chr1-66062115-C-CT.
Other names: c.704-8dup (NM_001198688.1, NM_001003679.3, NM_001003680.3 and 2 more transcripts).
Identifiers: ClinVar variation 4978768 (VCV004978768.1).
Genomic context (GRCh38, chr1:65,596,432, plus strand): 5'-CTTGACTTTATTTTATTCAGCTATAATTGTCATGAAAATTACTTGACTTAAAAGTATTCT[C>CT]TTTTTTTTCCTTAAGTGAAGCCTGATCCACCATTAGGTTTGCATATGGAAATCACAGATG-3'